The following is an entry in ClinVar:

NM_001199138.2(NLRC4):c.719G>A (p.Arg240Gln)

Gene: NLRC4 (NLR family CARD domain containing 4; minus strand). Cytogenetic location: 2p22.3.
Variant type: single nucleotide variant.
Coding change: c.719G>A on transcript NM_001199138.2 (MANE Select); coding-DNA position 719, G replaced by A.
Protein change: p.Arg240Gln; replaces arginine 240 with glutamine.
Molecular consequence: missense variant. On other transcripts: intron variant (1).
Genome position (GRCh38, 1-based): chr2:32,251,145, C>T on the plus strand (G>A on the coding strand, the complement: NLRC4 is on the minus strand). VCF-style: chr2-32251145-C-T. GRCh37 (hg19) VCF-style: chr2-32476214-C-T.
Other names: c.719G>A, p.Arg240Gln (NM_001199139.2, NM_021209.5); c.262+1274G>A (NM_001302504.1); short protein forms R240Q.
Identifiers: ClinVar variation 2087723 (VCV002087723.4), dbSNP rs780092732, ClinGen allele CA44753564.
Genomic context (GRCh38, chr2:32,251,145, plus strand): 5'-TCTGGGCAGTTCTGGGGCTTGAATTCATTGTAGCCATCAAGAAGGAAAAGAACCCTCTGC[C>T]GCAGCTTCAGCAGCATGGCCATGAATGTCTGCTTCCTGATTGTGCCAGGTATATCCAGGA-3'
Protein context (NP_001186067.1, residues 230-250): QTFMAMLLKL[Arg240Gln]QRVLFLLDGY

ClinVar aggregate classification (germline): Uncertain significance (1 of 4 stars; one submission).

Conditions:
Periodic fever-infantile enterocolitis-autoinflammatory syndrome. Also called: Autoinflammation with infantile enterocolitis. Identifiers: Orphanet 436166, MedGen C4015067, MONDO:0014472, OMIM 616050.
Familial cold autoinflammatory syndrome 4 (FCAS4). Identifiers: Orphanet 47045, Orphanet 576349, MedGen C4015276, MONDO:0014498, OMIM 616115.

Allele frequency attached by ClinVar (database versions not stated): TOPMed 0.00001.
gnomAD v4.1: 4 of 1,614,124 alleles (0.00025%); highest among the groups gnomAD compares: Non-Finnish European, 0.00034%; no homozygotes.

Submission:

Labcorp Genetics (formerly Invitae), Labcorp
Classification: Uncertain significance for Periodic fever-infantile enterocolitis-autoinflammatory syndrome; Familial cold autoinflammatory syndrome 4. Last evaluated: 2022-11-22. Review status: criteria provided, single submitter. Criteria: Invitae Variant Classification Sherloc (09022015). Collection method: clinical testing. Allele origin: germline.
Comment: This sequence change replaces arginine, which is basic and polar, with glutamine, which is neutral and polar, at codon 240 of the NLRC4 protein (p.Arg240Gln). This variant is present in population databases (rs780092732, gnomAD 0.0009%). This variant has not been reported in the literature in individuals affected with NLRC4-related conditions. Advanced modeling of protein sequence and biophysical properties (such as structural, functional, and spatial information, amino acid conservation, physicochemical variation, residue mobility, and thermodynamic stability) performed at Invitae indicates that this missense variant is not expected to disrupt NLRC4 protein function. In summary, the available evidence is currently insufficient to determine the role of this variant in disease. Therefore, it has been classified as a Variant of Uncertain Significance.